The following is an entry in ClinVar:

ClinVar aggregate classification (germline): Pathogenic (1 of 4 stars; one submission).

Conditions:
Glycogen storage disease IXb (GSD9B). Also called: PHOSPHORYLASE KINASE DEFICIENCY OF LIVER AND MUSCLE, AUTOSOMAL RECESSIVE; GLYCOGENOSIS OF LIVER AND MUSCLE, AUTOSOMAL RECESSIVE; GSD IXb. Identifiers: Orphanet 79240, MedGen C0543514, MONDO:0009868, OMIM 261750.

Submission:

Labcorp Genetics (formerly Invitae), Labcorp
Classification: Pathogenic for Glycogen storage disease IXb. Last evaluated: 2023-06-23. Review status: criteria provided, single submitter. Criteria: Invitae Variant Classification Sherloc (09022015). Collection method: clinical testing. Allele origin: germline.
Comment: This sequence change creates a premature translational stop signal (p.Glu166*) in the PHKB gene. It is expected to result in an absent or disrupted protein product. Loss-of-function variants in PHKB are known to be pathogenic (PMID: 9215682, 9326319). This variant is present in population databases (no rsID available, gnomAD no frequency). This variant has not been reported in the literature in individuals affected with PHKB-related conditions. For these reasons, this variant has been classified as Pathogenic.

Literature cited by the submitters: PubMed 9215682; PubMed 9326319.

NM_000293.3(PHKB):c.496G>T (p.Glu166Ter)

Gene: PHKB (phosphorylase kinase regulatory subunit beta; plus strand). Cytogenetic location: 16q12.1.
Variant type: single nucleotide variant.
Coding change: c.496G>T on transcript NM_000293.3 (MANE Select); coding-DNA position 496, G replaced by T.
Protein change: p.Glu166Ter; replaces glutamic acid 166 with a stop codon.
Molecular consequence: nonsense.
Genome position (GRCh38, 1-based): chr16:47,511,755, G>T. VCF-style: chr16-47511755-G-T. GRCh37 (hg19) VCF-style: chr16-47545666-G-T.
Other names: c.475G>T, p.Glu159Ter (NM_001031835.3); c.496G>T, p.Glu166Ter (NM_001363837.1); short protein forms E166*, E159*.
Identifiers: ClinVar variation 2991786 (VCV002991786.3), dbSNP rs774068671, ClinGen allele CA396099496.